The following is an entry in ClinVar:

NM_152393.4(KLHL40):c.600G>A (p.Arg200=)

Gene: KLHL40 (kelch like family member 40; plus strand). Cytogenetic location: 3p22.1.
Variant type: single nucleotide variant.
Coding change: c.600G>A on transcript NM_152393.4 (MANE Select); coding-DNA position 600, G replaced by A.
Protein change: p.Arg200=; no amino-acid change (arginine 200 retained).
Molecular consequence: synonymous variant.
Genome position (GRCh38, 1-based): chr3:42,686,218, G>A. VCF-style: chr3-42686218-G-A. GRCh37 (hg19) VCF-style: chr3-42727710-G-A.
Identifiers: ClinVar variation 681114 (VCV000681114.11), dbSNP rs142392214, ClinGen allele CA2336695.

ClinVar aggregate classification (germline): Benign/Likely benign. Review status: criteria provided, multiple submitters, no conflicts (2 of 4 stars). 2 submissions from 2 submitters: Benign (1); Likely benign (1). Last evaluated 2026-01-29.

Conditions:
Nemaline myopathy 8 (NEM8). Also called: Nemaline myopathy 8, autosomal recessive. Identifiers: Orphanet 171430, MedGen C3809209, MONDO:0014138, OMIM 615348.

Allele frequency attached by ClinVar (database versions not stated): gnomAD exomes 0.00021; ExAC 0.00033; ESP Exome Variant Server 0.00054; TOPMed 0.00088; gnomAD 0.00090; 1000 Genomes Project 0.00160; 1000 Genomes Project 30x 0.00172.

Submissions (2):

Labcorp Genetics (formerly Invitae), Labcorp
Classification: Benign for Nemaline myopathy 8. Last evaluated: 2026-01-29. Review status: criteria provided, single submitter. Criteria: Invitae Variant Classification Sherloc (09022015). Collection method: clinical testing. Allele origin: germline.

GeneDx
Classification: Likely benign. Last evaluated: 2018-03-28. Review status: criteria provided, single submitter. Criteria: GeneDx Variant Classification (06012015). Collection method: clinical testing. Allele origin: germline. Affected: yes.
Comment: This variant is considered likely benign or benign based on one or more of the following criteria: it is a conservative change, it occurs at a poorly conserved position in the protein, it is predicted to be benign by multiple in silico algorithms, and/or has population frequency not consistent with disease.